The following is an entry in ClinVar:

NM_002335.4(LRP5):c.491A>T (p.Tyr164Phe)

Gene: LRP5 (LDL receptor related protein 5; plus strand). Cytogenetic location: 11q13.2.
Variant type: single nucleotide variant.
Coding change: c.491A>T on transcript NM_002335.4 (MANE Select); coding-DNA position 491, A replaced by T.
Protein change: p.Tyr164Phe; replaces tyrosine 164 with phenylalanine.
Molecular consequence: missense variant. On other transcripts: 5 prime UTR variant (1).
Genome position (GRCh38, 1-based): chr11:68,357,652, A>T. VCF-style: chr11-68357652-A-T. GRCh37 (hg19) VCF-style: chr11-68125120-A-T.
Other names: c.-1275A>T (NM_001291902.2); short protein forms Y164F.
Identifiers: ClinVar variation 1994378 (VCV001994378.4), dbSNP rs778000208, ClinGen allele CA6149031.
Genomic context (GRCh38, chr11:68,357,652, plus strand): 5'-GACAAAAACAAAAAACAGATCTGTGTTAGCTGCTTCTCTTGCCCTGCCCCCGTCACAGGT[A>T]CATGTACTGGACAGACTGGGGTGAGACGCCCCGGATTGAGCGGGCAGGGATGGATGGCAG-3'
Protein context (NP_002326.2, residues 154-174): RAIALDPAHG[Tyr164Phe]MYWTDWGETP

ClinVar aggregate classification (germline): Uncertain significance (1 of 4 stars; one submission).

gnomAD v4.1: 1 of 1,613,932 alleles (0.000062%); highest among the groups gnomAD compares: African/African-American, 0.0013%; no homozygotes.

Submission:

Labcorp Genetics (formerly Invitae), Labcorp
Classification: Uncertain significance. Last evaluated: 2022-05-14. Review status: criteria provided, single submitter. Criteria: Invitae Variant Classification Sherloc (09022015). Collection method: clinical testing. Allele origin: germline.
Comment: In summary, the available evidence is currently insufficient to determine the role of this variant in disease. Therefore, it has been classified as a Variant of Uncertain Significance. Algorithms developed to predict the effect of missense changes on protein structure and function are either unavailable or do not agree on the potential impact of this missense change (SIFT: "Deleterious"; PolyPhen-2: "Benign"; Align-GVGD: "Class C15"). This variant has not been reported in the literature in individuals affected with LRP5-related conditions. This variant is present in population databases (rs778000208, gnomAD 0.02%). This sequence change replaces tyrosine, which is neutral and polar, with phenylalanine, which is neutral and non-polar, at codon 164 of the LRP5 protein (p.Tyr164Phe).